The following is an entry in ClinVar:

ClinVar aggregate classification (germline): Pathogenic/Likely pathogenic. Review status: criteria provided, multiple submitters, no conflicts (2 of 4 stars). 3 submissions from 3 submitters: Pathogenic (1); Likely pathogenic (2). Last evaluated 2024-02-14.

Conditions:
Fanconi anemia complementation group A (FANCA). Also called: Fanconi anemia, group A; FANCA-Related Fanconi Anemia. Identifiers: Orphanet 84, MedGen C3469521, MONDO:0009215, OMIM 227650.

Submissions (3):

Baylor Genetics
Classification: Likely pathogenic for Fanconi anemia complementation group A. Last evaluated: 2024-02-14. Review status: criteria provided, single submitter. Criteria: ACMG Guidelines, 2015. Collection method: clinical testing. Allele origin: unknown.

3billion
Classification: Pathogenic for Fanconi anemia complementation group A. Last evaluated: 2022-05-22. Review status: criteria provided, single submitter. Criteria: ACMG Guidelines, 2015. Collection method: clinical testing. Allele origin: germline. Affected: yes. Observed: 1 homozygote.
Comment: The variant is not observed in the gnomAD v2.1.1 dataset. Stop-gained (nonsense): predicted to result in a loss or disruption of normal protein function through nonsense-mediated decay (NMD) or protein truncation. Multiple pathogenic variants are reported downstream of the variant. The variant has been reported to be associated with FANCA related disorder (ClinVar ID: VCV000983788). Therefore, this variant is classified as pathogenic according to the recommendation of ACMG/AMP guideline.

Myriad Genetics, Inc.
Classification: Likely pathogenic for Fanconi anemia complementation group A. Last evaluated: 2019-12-23. Review status: criteria provided, single submitter. Criteria: Myriad Women's Health Autosomal Recessive and X-Linked Classification Criteria (2019). Collection method: clinical testing. Allele origin: unknown.
Comment: NM_000135.2(FANCA):c.2499C>A(C833*) is expected to be pathogenic in the context of Fanconi anemia complementation group A. This variant is predicted to lead to an abnormal or absent protein product due to the creation of a premature termination codon in FANCA, a gene where loss-of-function variants are known to be pathogenic. Please note: this variant was assessed in the context of healthy population screening.

NM_000135.4(FANCA):c.2499C>A (p.Cys833Ter)

Gene: FANCA (FA complementation group A; minus strand). Cytogenetic location: 16q24.3.
Variant type: single nucleotide variant.
Coding change: c.2499C>A on transcript NM_000135.4 (MANE Select); coding-DNA position 2499, C replaced by A.
Protein change: p.Cys833Ter; replaces cysteine 833 with a stop codon.
Molecular consequence: nonsense.
Genome position (GRCh38, 1-based): chr16:89,769,842, G>T on the plus strand (C>A on the coding strand, the complement: FANCA is on the minus strand). VCF-style: chr16-89769842-G-T. GRCh37 (hg19) VCF-style: chr16-89836250-G-T.
Other names: c.2499C>A, p.Cys833Ter (NM_001286167.3); short protein forms C833*.
Identifiers: ClinVar variation 983788 (VCV000983788.5), dbSNP rs2039260856, ClinGen allele CA397442973.